The following is an entry in ClinVar:

NM_001375808.2(LPIN2):c.1010G>C (p.Ser337Thr)

Gene: LPIN2 (lipin 2; minus strand). Cytogenetic location: 18p11.31.
Variant type: single nucleotide variant.
Coding change: c.1010G>C on transcript NM_001375808.2 (MANE Select); coding-DNA position 1010, G replaced by C.
Protein change: p.Ser337Thr; replaces serine 337 with threonine.
Molecular consequence: missense variant.
Genome position (GRCh38, 1-based): chr18:2,937,850, C>G on the plus strand (G>C on the coding strand, the complement: LPIN2 is on the minus strand). VCF-style: chr18-2937850-C-G. GRCh37 (hg19) VCF-style: chr18-2937848-C-G.
Other names: c.1010G>C, p.Ser337Thr (NM_001375809.1, NM_014646.2); short protein forms S337T.
Identifiers: ClinVar variation 1465901 (VCV001465901.8), dbSNP rs563019654, ClinGen allele CA401706528.

ClinVar aggregate classification (germline): Uncertain significance (1 of 4 stars; one submission).

Conditions:
Majeed syndrome (MJDS). Also called: LPIN2-Related Majeed Syndrome; CHRONIC RECURRENT MULTIFOCAL OSTEOMYELITIS 1, WITH CONGENITAL DYSERYTHROPOIETIC ANEMIA, WITH OR WITHOUT NEUTROPHILIC DERMATOSIS. Identifiers: Orphanet 77297, MedGen C1864997, MONDO:0012316, OMIM 609628.

Submission:

Labcorp Genetics (formerly Invitae), Labcorp
Classification: Uncertain significance for Majeed syndrome. Last evaluated: 2021-03-10. Review status: criteria provided, single submitter. Criteria: Invitae Variant Classification Sherloc (09022015). Collection method: clinical testing. Allele origin: germline.
Comment: This sequence change replaces serine with threonine at codon 337 of the LPIN2 protein (p.Ser337Thr). The serine residue is moderately conserved and there is a small physicochemical difference between serine and threonine. This variant is not present in population databases (ExAC no frequency). This variant has not been reported in the literature in individuals with LPIN2-related conditions. Algorithms developed to predict the effect of missense changes on protein structure and function (SIFT, PolyPhen-2, Align-GVGD) all suggest that this variant is likely to be tolerated, but these predictions have not been confirmed by published functional studies and their clinical significance is uncertain. In summary, the available evidence is currently insufficient to determine the role of this variant in disease. Therefore, it has been classified as a Variant of Uncertain Significance.